The following is an entry in ClinVar:

NM_004655.4(AXIN2):c.844C>A (p.Pro282Thr)

Gene: AXIN2 (axin 2; minus strand). Cytogenetic location: 17q24.1.
Variant type: single nucleotide variant.
Coding change: c.844C>A on transcript NM_004655.4 (MANE Select); coding-DNA position 844, C replaced by A.
Protein change: p.Pro282Thr; replaces proline 282 with threonine.
Molecular consequence: missense variant.
Genome position (GRCh38, 1-based): chr17:65,549,632, G>T on the plus strand (C>A on the coding strand, the complement: AXIN2 is on the minus strand). VCF-style: chr17-65549632-G-T. GRCh37 (hg19) VCF-style: chr17-63545750-G-T.
Other names: c.844C>A, p.Pro282Thr (NM_001363813.1); short protein forms P282T.
Identifiers: ClinVar variation 5032549 (VCV005032549.1).
Genomic context (GRCh38, chr17:65,549,632, plus strand): 5'-TCTCACTGTCGTTGGCGCTGGTGGCTGGTGCAAAGACATAGCCAGAACCTATGTGATAAG[G>T]ATTAACAGGATCGCTCCTCTTGAAGGACCTATGGGCAAAGTACAAAAGTGGTTCAGTCAC-3'
Protein context (NP_004646.3, residues 272-292): RSFKRSDPVN[Pro282Thr]YHIGSGYVFA

ClinVar aggregate classification (germline): Uncertain significance (1 of 4 stars; one submission).

Conditions:
Hereditary cancer-predisposing syndrome. Also called: Neoplastic Syndromes, Hereditary; Tumor predisposition; Hereditary neoplastic syndrome; Hereditary Cancer Syndrome. Identifiers: Orphanet 140162, MedGen C0027672, MeSH D009386, MONDO:0015356.

Submission:

Ambry Genetics
Classification: Uncertain significance for Hereditary cancer-predisposing syndrome. Last evaluated: 2026-07-06. Review status: criteria provided, single submitter. Criteria: Ambry Variant Classification Scheme 2023. Collection method: clinical testing. Allele origin: germline.
Comment: The p.P282T variant (also known as c.844C>A), located in coding exon 2 of the AXIN2 gene, results from a C to A substitution at nucleotide position 844. The proline at codon 282 is replaced by threonine, an amino acid with highly similar properties. This amino acid position is conserved. In addition, the in silico prediction for this alteration is inconclusive. Based on the available evidence, the clinical significance of this variant remains unclear.